The following is an entry in ClinVar:

NM_001457.4(FLNB):c.4221C>T (p.Pro1407=)

Gene: FLNB (filamin B; plus strand). Cytogenetic location: 3p14.3.
Variant type: single nucleotide variant.
Coding change: c.4221C>T on transcript NM_001457.4 (MANE Select); coding-DNA position 4221, C replaced by T.
Protein change: p.Pro1407=; no amino-acid change (proline 1407 retained).
Molecular consequence: synonymous variant.
Genome position (GRCh38, 1-based): chr3:58,126,761, C>T. VCF-style: chr3-58126761-C-T. GRCh37 (hg19) VCF-style: chr3-58112488-C-T.
Other names: c.4221C>T, p.Pro1407= (NM_001164317.2, NM_001164318.2, NM_001164319.2).
Identifiers: ClinVar variation 258111 (VCV000258111.15), dbSNP rs2362904, ClinGen allele CA2468685.

ClinVar aggregate classification (germline): Benign. Review status: criteria provided, multiple submitters, no conflicts (2 of 4 stars). 6 submissions from 6 submitters: Benign (6). Last evaluated 2026-02-04.

Conditions:
FLNB-Related Spectrum Disorders.

Allele frequency attached by ClinVar (database versions not stated): ESP Exome Variant Server 0.40243; gnomAD exomes 0.40738; ExAC 0.40909; gnomAD 0.42377; TOPMed 0.46375; 1000 Genomes Project 0.64856; 1000 Genomes Project 30x 0.65006.
gnomAD v4.1: 513,477 of 1,610,188 alleles (32%); highest among the groups gnomAD compares: East Asian, 98%; 105,646 homozygotes.

Submissions (6):

Labcorp Genetics (formerly Invitae), Labcorp
Classification: Benign. Last evaluated: 2026-02-04. Review status: criteria provided, single submitter. Criteria: Invitae Variant Classification Sherloc (09022015). Collection method: clinical testing. Allele origin: germline.

Blueprint Genetics
Classification: Benign. Last evaluated: 2024-11-26. Review status: criteria provided, single submitter. Criteria: ACMG Guidelines, 2015. Collection method: clinical testing. Allele origin: germline.

Illumina Laboratory Services, Illumina
Classification: Benign for FLNB-Related Spectrum Disorders. Last evaluated: 2018-01-13. Review status: criteria provided, single submitter. Criteria: ICSL Variant Classification Criteria 13 December 2019. Collection method: clinical testing. Allele origin: germline.
Comment: This variant was observed in the ICSL laboratory as part of a predisposition screen in an ostensibly healthy population. It had not been previously curated by ICSL or reported in the Human Gene Mutation Database (HGMD: prior to June 1st, 2018), and was therefore a candidate for classification through an automated scoring system. Utilizing variant allele frequency, disease prevalence and penetrance estimates, and inheritance mode, an automated score was calculated to assess if this variant is too frequent to cause the disease. Based on the score and internal cut-off values, a variant classified as benign is not then subjected to further curation. The score for this variant resulted in a classification of benign for this disease.

GeneDx
Classification: Benign. Last evaluated: 2016-03-29. Review status: criteria provided, single submitter. Criteria: GeneDx Variant Classification (06012015). Collection method: clinical testing. Allele origin: germline. Affected: yes.
Comment: This variant is considered likely benign or benign based on one or more of the following criteria: it is a conservative change, it occurs at a poorly conserved position in the protein, it is predicted to be benign by multiple in silico algorithms, and/or has population frequency not consistent with disease.

Breakthrough Genomics
Classification: Benign. Review status: criteria provided, single submitter. Criteria: ACMG Guidelines, 2015. Collection method: not provided. Allele origin: germline. Inheritance: Autosomal recessive inheritance. Affected: yes.

PreventionGenetics, part of Exact Sciences
Classification: Benign. Review status: criteria provided, single submitter. Criteria: ACMG Guidelines, 2015. Collection method: clinical testing. Allele origin: germline.